The following is an entry in ClinVar:

NM_000018.4(ACADVL):c.1333-3T>C

Gene: ACADVL (acyl-CoA dehydrogenase very long chain; plus strand). Cytogenetic location: 17p13.1.
Variant type: single nucleotide variant.
Coding change: c.1333-3T>C on transcript NM_000018.4 (MANE Select); 3 bases into the intron before coding-DNA position 1333, T replaced by C.
Molecular consequence: intron variant.
Genome position (GRCh38, 1-based): chr17:7,223,965, T>C. VCF-style: chr17-7223965-T-C. GRCh37 (hg19) VCF-style: chr17-7127284-T-C.
Other names: c.1402-3T>C (NM_001270447.2); c.1105-3T>C (NM_001270448.2); c.1267-3T>C (NM_001033859.3).
Identifiers: ClinVar variation 388724 (VCV000388724.2), dbSNP rs1057523216, ClinGen allele CA16608637.

ClinVar aggregate classification (germline): Conflicting classifications of pathogenicity. Review status: criteria provided, conflicting classifications (1 of 4 stars). 2 submissions from 2 submitters: Uncertain significance (1); Likely benign (1). Last evaluated 2026-02-03.

Conditions:
Very long chain acyl-CoA dehydrogenase deficiency (ACADVLD). Also called: Very Long-Chain Acyl-Coenzyme A Dehydrogenase Deficiency; VLCAD Deficiency. Identifiers: Orphanet 26793, MedGen C3887523, MONDO:0008723, OMIM 201475.

Allele frequency attached by ClinVar (database versions not stated): gnomAD exomes below 0.00001.
gnomAD v4.1: 1 of 1,614,038 alleles (0.000062%); highest among the groups gnomAD compares: Non-Finnish European, 0.000085%; no homozygotes.

Submissions (2):

Labcorp Genetics (formerly Invitae), Labcorp
Classification: Uncertain significance for Very long chain acyl-CoA dehydrogenase deficiency. Last evaluated: 2026-02-03. Review status: criteria provided, single submitter. Criteria: Invitae Variant Classification Sherloc (09022015). Collection method: clinical testing. Allele origin: germline.
Comment: This sequence change falls in intron 13 of the ACADVL gene. It does not directly change the encoded amino acid sequence of the ACADVL protein. It affects a nucleotide within the consensus splice site. This variant is not present in population databases (gnomAD no frequency). This variant has not been reported in the literature in individuals affected with ACADVL-related conditions. ClinVar contains an entry for this variant (Variation ID: 388724). Variants that disrupt the consensus splice site are a relatively common cause of aberrant splicing (PMID: 17576681, 9536098). Algorithms developed to predict the effect of sequence changes on RNA splicing suggest that this variant is not likely to affect RNA splicing. In summary, the available evidence is currently insufficient to determine the role of this variant in disease. Therefore, it has been classified as a Variant of Uncertain Significance.

GeneDx
Classification: Likely benign. Last evaluated: 2016-08-19. Review status: criteria provided, single submitter. Criteria: GeneDx Variant Classification (06012015). Collection method: clinical testing. Allele origin: germline. Affected: yes.
Comment: This variant is considered likely benign or benign based on one or more of the following criteria: it is a conservative change, it occurs at a poorly conserved position in the protein, it is predicted to be benign by multiple in silico algorithms, and/or has population frequency not consistent with disease.

Literature cited by the submitters: PubMed 17576681 (cited by Labcorp Genetics (formerly Invitae), Labcorp); PubMed 9536098 (cited by Labcorp Genetics (formerly Invitae), Labcorp).